The following is an entry in ClinVar:

NM_001243177.4(ALDOA):c.803A>G (p.Tyr268Cys)

Genes: ALDOA (aldolase, fructose-bisphosphate A; plus strand), LOC112694756 (uncharaterized LOC112694756; plus strand). Cytogenetic location: 16p11.2.
Variant type: single nucleotide variant.
Coding change: c.803A>G on transcript NM_001243177.4 (MANE Select); coding-DNA position 803, A replaced by G.
Protein change: p.Tyr268Cys; replaces tyrosine 268 with cysteine.
Molecular consequence: missense variant. On other transcripts: 3 prime UTR variant (3).
Genome position (GRCh38, 1-based): chr16:30,069,515, A>G. VCF-style: chr16-30069515-A-G. GRCh37 (hg19) VCF-style: chr16-30080836-A-G.
Other names: c.*1150A>G (NM_001365304.2, NM_001365305.2, NM_001365307.2); c.641A>G, p.Tyr214Cys (NM_001127617.2, NM_184041.5, NM_184043.2); c.641A>G (NM_184041.4); short protein forms Y214C, Y268C.
Identifiers: ClinVar variation 2146663 (VCV002146663.4), dbSNP rs1417726499, ClinGen allele CA395491395.

ClinVar aggregate classification (germline): Uncertain significance. Review status: criteria provided, multiple submitters, no conflicts (2 of 4 stars). 2 submissions from 2 submitters: Uncertain significance (2). Last evaluated 2024-08-28.

Conditions:
HNSHA due to aldolase A deficiency (GSD12). Also called: GLYCOGEN STORAGE DISEASE XII; GSD XII; RED CELL ALDOLASE DEFICIENCY; Glycogen storage disease due to aldolase A deficiency. Identifiers: Orphanet 57, MedGen C0272066, MONDO:0012747, OMIM 611881.

Allele frequency attached by ClinVar (database versions not stated): gnomAD exomes below 0.00001; gnomAD 0.00002; TOPMed 0.00002.
gnomAD v4.1: 10 of 1,613,962 alleles (0.00062%); highest among the groups gnomAD compares: Non-Finnish European, 0.00076%; no homozygotes.

Submissions (2):

Revvity Omics, Revvity
Classification: Uncertain significance for HNSHA due to aldolase A deficiency. Last evaluated: 2024-08-28. Review status: criteria provided, single submitter. Criteria: ACMG Guidelines, 2015. Collection method: clinical testing. Allele origin: germline.

Labcorp Genetics (formerly Invitae), Labcorp
Classification: Uncertain significance for HNSHA due to aldolase A deficiency. Last evaluated: 2023-07-10. Review status: criteria provided, single submitter. Criteria: Invitae Variant Classification Sherloc (09022015). Collection method: clinical testing. Allele origin: germline.
Comment: In summary, the available evidence is currently insufficient to determine the role of this variant in disease. Therefore, it has been classified as a Variant of Uncertain Significance. An algorithm developed to predict the effect of missense changes on protein structure and function (PolyPhen-2) suggests that this variant is likely to be disruptive. ClinVar contains an entry for this variant (Variation ID: 2146663). This variant has not been reported in the literature in individuals affected with ALDOA-related conditions. This variant is present in population databases (no rsID available, gnomAD 0.007%). This sequence change replaces tyrosine, which is neutral and polar, with cysteine, which is neutral and slightly polar, at codon 214 of the ALDOA protein (p.Tyr214Cys).